The following is an entry in ClinVar:

NM_000051.4(ATM):c.4436+8A>G

Gene: ATM (ATM serine/threonine kinase; plus strand). Cytogenetic location: 11q22.3.
Variant type: single nucleotide variant.
Coding change: c.4436+8A>G on transcript NM_000051.4 (MANE Select); 8 bases into the intron after coding-DNA position 4436, A replaced by G.
Molecular consequence: intron variant.
Genome position (GRCh38, 1-based): chr11:108,289,809, A>G. VCF-style: chr11-108289809-A-G. GRCh37 (hg19) VCF-style: chr11-108160536-A-G.
Other names: c.4436+8A>G (NM_001351834.2).
Identifiers: ClinVar variation 3253834 (VCV003253834.1), dbSNP rs2135767224.
Genomic context (GRCh38, chr11:108,289,809, plus strand): 5'-GCCTTTGTTCTTCGAGACGTTATTTATACTTTGATTCACTATATCAACCAAAGGTAAATA[A>G]CATATTTAGACCAATATATAAGCAGTCTTTCTATCCTGTTCTTCCTGTTTTTTTGCTTTG-3'

ClinVar aggregate classification (germline): Likely benign (1 of 4 stars; one submission).

Conditions:
Familial cancer of breast. Also called: BREAST CANCER, FAMILIAL; Hereditary breast cancer; hereditary breast carcinoma. Identifiers: Orphanet 227535, MedGen C0346153, MONDO:0016419, OMIM 114480. Disease mechanism: loss of function.

Submission:

Myriad Genetics, Inc.
Classification: Likely benign for Familial cancer of breast. Last evaluated: 2024-05-17. Review status: criteria provided, single submitter. Criteria: Myriad Autosomal Dominant, Autosomal Recessive and X-Linked Classification Criteria (2023). Collection method: clinical testing. Allele origin: unknown.
Comment: This variant is considered likely benign. This variant is intronic and is not expected to impact mRNA splicing.